The following is an entry in ClinVar:

ClinVar aggregate classification (germline): Uncertain significance (1 of 4 stars; one submission).

Submission:

Labcorp Genetics (formerly Invitae), Labcorp
Classification: Uncertain significance. Last evaluated: 2023-07-16. Review status: criteria provided, single submitter. Criteria: Invitae Variant Classification Sherloc (09022015). Collection method: clinical testing. Allele origin: germline.
Comment: This sequence change replaces glutamic acid, which is acidic and polar, with valine, which is neutral and non-polar, at codon 177 of the DNA2 protein (p.Glu177Val). In summary, the available evidence is currently insufficient to determine the role of this variant in disease. Therefore, it has been classified as a Variant of Uncertain Significance. Advanced modeling of protein sequence and biophysical properties (such as structural, functional, and spatial information, amino acid conservation, physicochemical variation, residue mobility, and thermodynamic stability) performed at Invitae indicates that this missense variant is not expected to disrupt DNA2 protein function. This variant has not been reported in the literature in individuals affected with DNA2-related conditions. This variant is not present in population databases (gnomAD no frequency).

NM_001080449.3(DNA2):c.530A>T (p.Glu177Val)

Gene: DNA2 (DNA replication helicase/nuclease 2; minus strand). Cytogenetic location: 10q21.3.
Variant type: single nucleotide variant.
Coding change: c.530A>T on transcript NM_001080449.3 (MANE Select); coding-DNA position 530, A replaced by T.
Protein change: p.Glu177Val; replaces glutamic acid 177 with valine.
Molecular consequence: missense variant. On other transcripts: non-coding transcript variant (1).
Genome position (GRCh38, 1-based): chr10:68,465,724, T>A on the plus strand (A>T on the coding strand, the complement: DNA2 is on the minus strand). VCF-style: chr10-68465724-T-A. GRCh37 (hg19) VCF-style: chr10-70225481-T-A.
Other names: short protein forms E177V.
Identifiers: ClinVar variation 3005669 (VCV003005669.3), dbSNP rs1405200870, ClinGen allele CA376828120.
Genomic context (GRCh38, chr10:68,465,724, plus strand): 5'-TACATTTCCTTCAAATGTCTTATTTCTTGAATTGTTTGAAAAGCAAGTTCTTGTAGCTTT[T>A]CTGGGGCAAAGCTATTATTTATGGCTTTTTGAAACACCTCATGGAGAACCGTACCAATTA-3'
Protein context (NP_001073918.2, residues 167-187): QKAINNSFAP[Glu177Val]KLQELAFQTI